The following is an entry in ClinVar:

NM_000059.4(BRCA2):c.7009A>G (p.Thr2337Ala)

Gene: BRCA2 (BRCA2 DNA repair associated; plus strand). Cytogenetic location: 13q13.1.
Variant type: single nucleotide variant.
Coding change: c.7009A>G on transcript NM_000059.4 (MANE Select); coding-DNA position 7009, A replaced by G.
Protein change: p.Thr2337Ala; replaces threonine 2337 with alanine.
Molecular consequence: missense variant.
Genome position (GRCh38, 1-based): chr13:32,354,862, A>G. VCF-style: chr13-32354862-A-G. GRCh37 (hg19) VCF-style: chr13-32928999-A-G.
Other names: 7237A>G; short protein forms T2337A.
Identifiers: ClinVar variation 96846 (VCV000096846.14), dbSNP rs431825348, ClinGen allele CA024746.

ClinVar aggregate classification (germline): Uncertain significance. Review status: criteria provided, multiple submitters, no conflicts (2 of 4 stars). 6 submissions from 6 submitters: Uncertain significance (5). 1 of the submissions does not count toward it. Last evaluated 2026-03-20.

Conditions:
Hereditary cancer-predisposing syndrome. Also called: Tumor predisposition; Neoplastic Syndromes, Hereditary; Hereditary Cancer Syndrome; Hereditary neoplastic syndrome. Identifiers: Orphanet 140162, MedGen C0027672, MeSH D009386, MONDO:0015356.
Breast and/or ovarian cancer. Identifiers: MedGen CN221562.
Hereditary breast ovarian cancer syndrome. Also called: Hereditary breast and ovarian cancer; Breast and ovarian cancer; Hereditary breast and ovarian cancer syndrome; Hereditary breast and/or ovarian cancer syndrome; Hereditary breast and ovarian cancer syndrome (HBOC); BRCA1- and BRCA2-Associated Hereditary Breast and Ovarian Cancer. Identifiers: Orphanet 145, MedGen C0677776, MeSH D061325, MONDO:0003582. Disease mechanism: loss of function.
Breast-ovarian cancer, familial, susceptibility to, 2 (BROVCA2). Also called: BRCA2 Hereditary Breast and Ovarian Cancer. Identifiers: Orphanet 145, MedGen C2675520, MONDO:0012933, OMIM 612555. Disease mechanism: loss of function.

Allele frequency attached by ClinVar (database versions not stated): gnomAD exomes below 0.00001.
gnomAD v4.1: 1 of 1,564,302 alleles (0.000064%); highest among the groups gnomAD compares: Middle Eastern, 0.017%; no homozygotes.

Submissions (6):

Women's Health and Genetics/Laboratory Corporation of America, LabCorp
Classification: Uncertain significance. Last evaluated: 2026-03-20. Review status: criteria provided, single submitter. Criteria: LabCorp Variant Classification Summary - May 2015. Collection method: clinical testing. Allele origin: germline.
Comment: Variant summary: BRCA2 c.7009A>G (p.Thr2337Ala) results in a non-conservative amino acid change in the encoded protein sequence. Algorithms developed to predict the effect of missense changes on protein structure and function are either unavailable or do not agree on the potential impact of this missense change. Consensus agreement among computation tools predict no significant impact on normal splicing. While at least 1 publication suggested that there may be no apparent impact on splicing in an in vitro minigene splicing assay (example, Fraile-Bethancourt_2019), the data were unclear. The variant was absent in 250362 control chromosomes. The available data on variant occurrences in the general population are insufficient to allow any conclusion about variant significance. To our knowledge, no occurrence of c.7009A>G in individuals affected with BRCA2-related conditions has been reported. There are multiple reports of experimental evidence evaluating an impact on protein function. These results showed no damaging effect of this variant in vitro (example, Yamazawa_2023, Biswas_2023, Ikegami_2020). The following publications have been ascertained in the context of this evaluation (PMID: 37067535, 37922907, 32444794, 31191615). ClinVar contains an entry for this variant (Variation ID: 96846). Based on the evidence outlined above, the variant was classified as uncertain significance.

Labcorp Genetics (formerly Invitae), Labcorp
Classification: Uncertain significance for Hereditary breast ovarian cancer syndrome. Last evaluated: 2025-03-07. Review status: criteria provided, single submitter. Criteria: Invitae Variant Classification Sherloc (09022015). Collection method: clinical testing. Allele origin: germline.
Comment: This sequence change replaces threonine, which is neutral and polar, with alanine, which is neutral and non-polar, at codon 2337 of the BRCA2 protein (p.Thr2337Ala). This variant is not present in population databases (gnomAD no frequency). This variant has not been reported in the literature in individuals affected with BRCA2-related conditions. ClinVar contains an entry for this variant (Variation ID: 96846). An algorithm developed to predict the effect of missense changes on protein structure and function outputs the following: PolyPhen-2: "Benign". The alanine amino acid residue is found in multiple mammalian species, which suggests that this missense change does not adversely affect protein function. In summary, the available evidence is currently insufficient to determine the role of this variant in disease. Therefore, it has been classified as a Variant of Uncertain Significance.

Ambry Genetics
Classification: Uncertain significance for Hereditary cancer-predisposing syndrome. Last evaluated: 2024-04-25. Review status: criteria provided, single submitter. Criteria: Ambry Variant Classification Scheme 2023. Collection method: clinical testing. Allele origin: germline.
Comment: The p.T2337A variant (also known as c.7009A>G), located in coding exon 13 of the BRCA2 gene, results from an A to G substitution at nucleotide position 7009. The threonine at codon 2337 is replaced by alanine, an amino acid with similar properties. This amino acid position is not well conserved in available vertebrate species. In addition, the in silico prediction for this alteration is inconclusive. Based on the available evidence, the clinical significance of this variant remains unclear.

Quest Diagnostics Nichols Institute San Juan Capistrano
Classification: Uncertain significance. Last evaluated: 2022-11-04. Review status: criteria provided, single submitter. Criteria: Quest Diagnostics criteria. Collection method: clinical testing. Allele origin: unknown.
Comment: The variant has not been reported in the published literature. It also has not been reported in large, multi-ethnic general populations. Analysis of this variant using bioinformatics tools for the prediction of the effect of amino acid changes on protein structure and function yielded predictions that this variant is benign. Based on the available information, we are unable to determine the clinical significance of this variant.

CHEO Genetics Diagnostic Laboratory, Children's Hospital of Eastern Ontario
Classification: Uncertain significance for Breast and/or ovarian cancer. Last evaluated: 2021-09-24. Review status: criteria provided, single submitter. Criteria: ACMG Guidelines, 2015. Collection method: clinical testing. Allele origin: germline.

Sharing Clinical Reports Project (SCRP)
Classification: Uncertain significance for Breast-ovarian cancer, familial 2. Last evaluated: 2012-05-01. Review status: no assertion criteria provided. Collection method: clinical testing. Allele origin: germline. Not counted in ClinVar's aggregate classification.

Literature cited by the submitters: PubMed 31191615 (cited by Women's Health and Genetics/Laboratory Corporation of America, LabCorp); PubMed 32444794 (cited by Women's Health and Genetics/Laboratory Corporation of America, LabCorp); PubMed 37067535 (cited by Women's Health and Genetics/Laboratory Corporation of America, LabCorp); PubMed 37922907 (cited by Women's Health and Genetics/Laboratory Corporation of America, LabCorp).